The following is an entry in ClinVar:

NM_001165963.4(SCN1A):c.1556A>G (p.Glu519Gly)

Gene: SCN1A (sodium voltage-gated channel alpha subunit 1; minus strand). Cytogenetic location: 2q24.3.
Variant type: single nucleotide variant.
Coding change: c.1556A>G on transcript NM_001165963.4 (MANE Select); coding-DNA position 1556, A replaced by G.
Protein change: p.Glu519Gly; replaces glutamic acid 519 with glycine.
Molecular consequence: missense variant. On other transcripts: 5 prime UTR variant (1), non-coding transcript variant (1).
Genome position (GRCh38, 1-based): chr2:166,045,149, T>C on the plus strand (A>G on the coding strand, the complement: SCN1A is on the minus strand). VCF-style: chr2-166045149-T-C. GRCh37 (hg19) VCF-style: chr2-166901659-T-C.
Other names: c.1556A>G, p.Glu519Gly (NM_001165964.3, NM_001202435.3, NM_001353948.2 and 7 more transcripts); c.1553A>G, p.Glu518Gly (NM_001353954.2, NM_001353955.2, NM_001353960.2); c.-870A>G (NM_001353961.2); short protein forms E518G, E519G.
Identifiers: ClinVar variation 1719491 (VCV001719491.5), dbSNP rs2468166505, ClinGen allele CA349069368.

ClinVar aggregate classification (germline): Uncertain significance (1 of 4 stars; one submission).

Conditions:
Early-infantile DEE. Also called: Early infantile epileptic encephalopathy with suppression bursts; Early infantile epileptic encephalopathy; Ohtahara syndrome. Identifiers: Orphanet 1934, MedGen C0393706, MONDO:0800491.

Submission:

Labcorp Genetics (formerly Invitae), Labcorp
Classification: Uncertain significance for Early-infantile DEE. Last evaluated: 2022-10-21. Review status: criteria provided, single submitter. Criteria: Invitae Variant Classification Sherloc (09022015). Collection method: clinical testing. Allele origin: germline.
Comment: In summary, the available evidence is currently insufficient to determine the role of this variant in disease. Therefore, it has been classified as a Variant of Uncertain Significance. Advanced modeling of protein sequence and biophysical properties (such as structural, functional, and spatial information, amino acid conservation, physicochemical variation, residue mobility, and thermodynamic stability) has been performed at Invitae for this missense variant, however the output from this modeling did not meet the statistical confidence thresholds required to predict the impact of this variant on SCN1A protein function. This variant has not been reported in the literature in individuals affected with SCN1A-related conditions. This variant is not present in population databases (gnomAD no frequency). This sequence change replaces glutamic acid, which is acidic and polar, with glycine, which is neutral and non-polar, at codon 519 of the SCN1A protein (p.Glu519Gly).